The following is an entry in ClinVar:

NM_000093.5(COL5A1):c.4239C>T (p.Ala1413=)

Gene: COL5A1 (collagen type V alpha 1 chain; plus strand). Cytogenetic location: 9q34.3.
Variant type: single nucleotide variant.
Coding change: c.4239C>T on transcript NM_000093.5 (MANE Select); coding-DNA position 4239, C replaced by T.
Protein change: p.Ala1413=; no amino-acid change (alanine 1413 retained).
Molecular consequence: synonymous variant.
Genome position (GRCh38, 1-based): chr9:134,818,664, C>T. VCF-style: chr9-134818664-C-T. GRCh37 (hg19) VCF-style: chr9-137710510-C-T.
Other names: c.4239C>T, p.Ala1413= (NM_001278074.1); c.4239C>T (NM_000093.3).
Identifiers: ClinVar variation 702062 (VCV000702062.37), dbSNP rs537406193, ClinGen allele CA5320223.

ClinVar aggregate classification (germline): Benign/Likely benign. Review status: criteria provided, multiple submitters, no conflicts (2 of 4 stars). 4 submissions from 4 submitters: Benign (1); Likely benign (3). Last evaluated 2025-07-13.

Conditions:
Ehlers-Danlos syndrome, classic type, 1 (EDSCL1). Also called: Ehlers-Danlos syndrome, type 1; Ehlers-Danlos Syndrome, Classic Type, COL5A1-Related; EDS I; EHLERS-DANLOS SYNDROME, GRAVIS TYPE; EHLERS-DANLOS SYNDROME, SEVERE CLASSIC TYPE. Identifiers: MedGen C0268335, MONDO:0019567, OMIM 130000.
Familial thoracic aortic aneurysm and aortic dissection (TAAD). Also called: Thoracic aortic aneurysms and dissections. Identifiers: Orphanet 91387, MedGen C4707243, MONDO:0019625.

Allele frequency attached by ClinVar (database versions not stated): gnomAD exomes 0.00004 and 0.00006; gnomAD 0.00005 and 0.00006; ExAC 0.00006; TOPMed 0.00008; 1000 Genomes Project 30x 0.00016; 1000 Genomes Project 0.00020.
gnomAD v4.1: 98 of 1,608,704 alleles (0.0061%); highest among the groups gnomAD compares: Middle Eastern, 0.018%; no homozygotes.

Submissions (4):

Labcorp Genetics (formerly Invitae), Labcorp
Classification: Likely benign for Ehlers-Danlos syndrome, classic type, 1. Last evaluated: 2025-07-13. Review status: criteria provided, single submitter. Criteria: Invitae Variant Classification Sherloc (09022015). Collection method: clinical testing. Allele origin: germline.

Women's Health and Genetics/Laboratory Corporation of America, LabCorp
Classification: Benign. Last evaluated: 2025-06-19. Review status: criteria provided, single submitter. Criteria: LabCorp Variant Classification Summary - May 2015. Collection method: clinical testing. Allele origin: germline.

CeGaT Center for Human Genetics Tuebingen
Classification: Likely benign. Last evaluated: 2023-02-01. Review status: criteria provided, single submitter. Criteria: CeGaT Center For Human Genetics Tuebingen Variant Classification Criteria Version 2. Collection method: clinical testing. Allele origin: germline. Affected: yes. Observed: 1 variant allele.
Comment: COL5A1: BP4, BP7

Ambry Genetics
Classification: Likely benign for Familial thoracic aortic aneurysm and aortic dissection. Last evaluated: 2022-12-23. Review status: criteria provided, single submitter. Criteria: Ambry Variant Classification Scheme 2023. Collection method: clinical testing. Allele origin: germline.